The following is an entry in ClinVar:

NM_013447.4(ADGRE2):c.187G>A (p.Glu63Lys)

Gene: ADGRE2 (adhesion G protein-coupled receptor E2; minus strand). Cytogenetic location: 19p13.12.
Variant type: single nucleotide variant.
Coding change: c.187G>A on transcript NM_013447.4 (MANE Select); coding-DNA position 187, G replaced by A.
Protein change: p.Glu63Lys; replaces glutamic acid 63 with lysine.
Molecular consequence: missense variant.
Genome position (GRCh38, 1-based): chr19:14,773,950, C>T on the plus strand (G>A on the coding strand, the complement: ADGRE2 is on the minus strand). VCF-style: chr19-14773950-C-T. GRCh37 (hg19) VCF-style: chr19-14884762-C-T.
Other names: c.187G>A, p.Glu63Lys (NM_001271052.1, NM_152916.2, NM_152917.2); short protein forms E63K.
Identifiers: ClinVar variation 3675334 (VCV003675334.2).

ClinVar aggregate classification (germline): Uncertain significance (1 of 4 stars; one submission).

gnomAD v4.1: 22 of 1,614,170 alleles (0.0014%); highest among the groups gnomAD compares: South Asian, 0.023%; no homozygotes.

Submission:

Labcorp Genetics (formerly Invitae), Labcorp
Classification: Uncertain significance. Last evaluated: 2024-08-13. Review status: criteria provided, single submitter. Criteria: Invitae Variant Classification Sherloc (09022015). Collection method: clinical testing. Allele origin: germline.
Comment: This sequence change replaces glutamic acid, which is acidic and polar, with lysine, which is basic and polar, at codon 63 of the ADGRE2 protein (p.Glu63Lys). This variant is present in population databases (rs781576897, gnomAD 0.01%). This variant has not been reported in the literature in individuals affected with ADGRE2-related conditions. An algorithm developed to predict the effect of missense changes on protein structure and function (PolyPhen-2) suggests that this variant is likely to be tolerated. In summary, the available evidence is currently insufficient to determine the role of this variant in disease. Therefore, it has been classified as a Variant of Uncertain Significance.